The following is an entry in ClinVar:

NM_181840.1(KCNK18):c.58C>G (p.Leu20Val)

Gene: KCNK18 (potassium two pore domain channel subfamily K member 18; plus strand). Cytogenetic location: 10q25.3.
Variant type: single nucleotide variant.
Coding change: c.58C>G on transcript NM_181840.1 (MANE Select); coding-DNA position 58, C replaced by G.
Protein change: p.Leu20Val; replaces leucine 20 with valine.
Molecular consequence: missense variant.
Genome position (GRCh38, 1-based): chr10:117,197,546, C>G. VCF-style: chr10-117197546-C-G. GRCh37 (hg19) VCF-style: chr10-118957057-C-G.
Other names: short protein forms L20V.
Identifiers: ClinVar variation 450887 (VCV000450887.25), dbSNP rs139919378, ClinGen allele CA5709867.

ClinVar aggregate classification (germline): Conflicting classifications of pathogenicity. Review status: criteria provided, conflicting classifications (1 of 4 stars). 3 submissions from 3 submitters: Uncertain significance (2); Likely benign (1). Last evaluated 2024-07-01.

Allele frequency attached by ClinVar (database versions not stated): ESP Exome Variant Server 0.00008; TOPMed 0.00012; gnomAD 0.00014; gnomAD exomes 0.00014 and 0.00020; ExAC 0.00022.
gnomAD v4.1: 226 of 1,614,212 alleles (0.014%); highest among the groups gnomAD compares: Non-Finnish European, 0.018%; no homozygotes.

Submissions (3):

CeGaT Center for Human Genetics Tuebingen
Classification: Likely benign. Last evaluated: 2024-07-01. Review status: criteria provided, single submitter. Criteria: CeGaT Center For Human Genetics Tuebingen Variant Classification Criteria Version 2. Collection method: clinical testing. Allele origin: germline. Affected: yes. Observed: 2 variant alleles.
Comment: KCNK18: BP4

Labcorp Genetics (formerly Invitae), Labcorp
Classification: Uncertain significance. Last evaluated: 2023-12-20. Review status: criteria provided, single submitter. Criteria: Invitae Variant Classification Sherloc (09022015). Collection method: clinical testing. Allele origin: germline.
Comment: This sequence change replaces leucine, which is neutral and non-polar, with valine, which is neutral and non-polar, at codon 20 of the KCNK18 protein (p.Leu20Val). This variant is present in population databases (rs139919378, gnomAD 0.04%). This variant has not been reported in the literature in individuals affected with KCNK18-related conditions. ClinVar contains an entry for this variant (Variation ID: 450887). An algorithm developed to predict the effect of missense changes on protein structure and function (PolyPhen-2) suggests that this variant¬†is likely to be tolerated. In summary, the available evidence is currently insufficient to determine the role of this variant in disease. Therefore, it has been classified as a Variant of Uncertain Significance.

GeneDx
Classification: Uncertain significance. Last evaluated: 2019-10-23. Review status: criteria provided, single submitter. Criteria: GeneDx Variant Classification Process June 2021. Collection method: clinical testing. Allele origin: germline. Affected: yes.
Comment: Although not identified in a cohort of 425 Italians with migraines, it was identified in 1 of 247 controls (Rainero et al., 2014); In silico analysis, which includes protein predictors and evolutionary conservation, supports that this variant does not alter protein structure/function; Identified in cis with c.414_415delCT in multiple patients referred for genetic testing at GeneDx; This variant is associated with the following publications: (PMID: 25324165)